The following is an entry in ClinVar:

NM_014319.5(LEMD3):c.1751A>G (p.Glu584Gly)

Gene: LEMD3 (LEM domain containing 3; plus strand). Cytogenetic location: 12q14.3.
Variant type: single nucleotide variant.
Coding change: c.1751A>G on transcript NM_014319.5 (MANE Select); coding-DNA position 1751, A replaced by G.
Protein change: p.Glu584Gly; replaces glutamic acid 584 with glycine.
Molecular consequence: missense variant.
Genome position (GRCh38, 1-based): chr12:65,238,557, A>G. VCF-style: chr12-65238557-A-G. GRCh37 (hg19) VCF-style: chr12-65632337-A-G.
Other names: c.1748A>G, p.Glu583Gly (NM_001167614.2); short protein forms E583G, E584G.
Identifiers: ClinVar variation 2899518 (VCV002899518.3), dbSNP rs762043417, ClinGen allele CA6671030.

ClinVar aggregate classification (germline): Uncertain significance (1 of 4 stars; one submission).

Allele frequency attached by ClinVar (database versions not stated): gnomAD exomes 0.00001; ExAC 0.00002; gnomAD 0.00005; TOPMed 0.00005.
gnomAD v4.1: 15 of 1,612,434 alleles (0.00093%); highest among the groups gnomAD compares: African/African-American, 0.019%; no homozygotes.

Submission:

Labcorp Genetics (formerly Invitae), Labcorp
Classification: Uncertain significance. Last evaluated: 2023-02-13. Review status: criteria provided, single submitter. Criteria: Invitae Variant Classification Sherloc (09022015). Collection method: clinical testing. Allele origin: germline.
Comment: In summary, the available evidence is currently insufficient to determine the role of this variant in disease. Therefore, it has been classified as a Variant of Uncertain Significance. Advanced modeling of protein sequence and biophysical properties (such as structural, functional, and spatial information, amino acid conservation, physicochemical variation, residue mobility, and thermodynamic stability) performed at Invitae indicates that this missense variant is not expected to disrupt LEMD3 protein function. This variant has not been reported in the literature in individuals affected with LEMD3-related conditions. This variant is present in population databases (rs762043417, gnomAD 0.02%). This sequence change replaces glutamic acid, which is acidic and polar, with glycine, which is neutral and non-polar, at codon 584 of the LEMD3 protein (p.Glu584Gly).